The following is an entry in ClinVar:

ClinVar aggregate classification (germline): Pathogenic (1 of 4 stars; one submission).

Conditions:
Familial cancer of breast. Also called: BREAST CANCER, FAMILIAL; Hereditary breast cancer; hereditary breast carcinoma. Identifiers: Orphanet 227535, MedGen C0346153, MONDO:0016419, OMIM 114480. Disease mechanism: loss of function.

Submission:

Myriad Genetics, Inc.
Classification: Pathogenic for Familial cancer of breast. Last evaluated: 2024-01-09. Review status: criteria provided, single submitter. Criteria: Myriad Autosomal Dominant, Autosomal Recessive and X-Linked Classification Criteria (2023). Collection method: clinical testing. Allele origin: unknown.
Comment: This variant is considered pathogenic. This variant creates a frameshift predicted to result in premature protein truncation.

NM_000051.4(ATM):c.650_653del (p.Ile217fs)

Gene: ATM (ATM serine/threonine kinase; plus strand). Cytogenetic location: 11q22.3.
Variant type: Deletion.
Coding change: c.650_653del on transcript NM_000051.4 (MANE Select); coding-DNA positions 650 to 653, 4 bases deleted (TTCA; older notation c.650_653delTTCA).
Protein change: p.Ile217fs; shifts the reading frame from isoleucine 217.
Molecular consequence: frameshift variant.
Genome position (GRCh38, 1-based): chr11:108,244,106-108,244,109, TTCA deleted; deleting any 4 consecutive bases within chr11:108,244,105-108,244,109 gives the same sequence; the c. name uses the placement nearest the transcript's 3' end. VCF-style (leftmost placement, unchanged base first): chr11-108244104-TATTC-T. GRCh37 (hg19) VCF-style: chr11-108114831-TATTC-T.
Other names: c.650_653del, p.Ile217fs (NM_001351834.2); short protein forms I217fs.
Identifiers: ClinVar variation 3148574 (VCV003148574.1), dbSNP rs2497134581, ClinGen allele CA2615842708.